The following is an entry in ClinVar:

NM_001297595.2(SIN3B):c.2467G>T (p.Val823Leu)

Gene: SIN3B (SIN3 transcription regulator family member B; plus strand). Cytogenetic location: 19p13.11.
Variant type: single nucleotide variant.
Coding change: c.2467G>T on transcript NM_001297595.2 (MANE Select); coding-DNA position 2467, G replaced by T.
Protein change: p.Val823Leu; replaces valine 823 with leucine.
Molecular consequence: missense variant.
Genome position (GRCh38, 1-based): chr19:16,871,273, G>T. VCF-style: chr19-16871273-G-T. GRCh37 (hg19) VCF-style: chr19-16982084-G-T.
Other names: c.1237G>T, p.Val413Leu (NM_001297597.2); c.2563G>T, p.Val855Leu (NM_015260.4); short protein forms V413L, V823L, V855L.
Identifiers: ClinVar variation 2504384 (VCV002504384.1), dbSNP rs2513072387, ClinGen allele CA404644926.

ClinVar aggregate classification (germline): Uncertain significance (1 of 4 stars; one submission).

Submission:

GeneDx
Classification: Uncertain significance. Last evaluated: 2022-12-04. Review status: criteria provided, single submitter. Criteria: GeneDx Variant Classification Process June 2021. Collection method: clinical testing. Allele origin: germline. Affected: yes.
Comment: Not observed at significant frequency in large population cohorts (gnomAD); In silico analysis supports that this missense variant has a deleterious effect on protein structure/function; Has not been previously published as pathogenic or benign to our knowledge